The following is an entry in ClinVar:

ClinVar aggregate classification (germline): Pathogenic/Likely pathogenic. Review status: criteria provided, multiple submitters, no conflicts (2 of 4 stars). 7 submissions from 7 submitters: Pathogenic (5); Likely pathogenic (2). Last evaluated 2026-04-22.

Conditions:
ABCC6-related disorder. Also called: ABCC6-related condition.
Arterial calcification, generalized, of infancy, 2. Identifiers: Orphanet 51608, MedGen C3276161, MONDO:0013768, OMIM 614473.
Autosomal recessive inherited pseudoxanthoma elasticum (PXE). Identifiers: Orphanet 758, MedGen CN032334, MONDO:0009925, OMIM 264800.
Pseudoxanthoma elasticum, forme fruste. Also called: Pseudoxanthoma Elasticum, Incomplete; PSEUDOXANTHOMA ELASTICUM, HETEROZYGOUS. Identifiers: Orphanet 758, MedGen C1867450, MONDO:0008333, OMIM 177850.

Allele frequency attached by ClinVar (database versions not stated): ExAC 0.00003; gnomAD 0.00003; TOPMed 0.00004.
gnomAD v4.1: 32 of 1,611,964 alleles (0.002%); highest among the groups gnomAD compares: East Asian, 0.0045%; no homozygotes.

Submissions (7):

PreventionGenetics, part of Exact Sciences
Classification: Pathogenic for ABCC6-related condition. Last evaluated: 2026-04-22. Review status: criteria provided, single submitter. Criteria: ACMG Guidelines, 2015. Collection method: clinical testing. Allele origin: germline.
Comment: The ABCC6 c.4016G>A variant is predicted to result in the amino acid substitution p.Arg1339His. This variant has been reported in individuals with pseudoxanthoma elasticum or unspecified retinal disease (Table S1, Saeidian et al. 2021. PubMed ID: 34906475; Table S1, Lin et al. 2024. PubMed ID: 38219857). Alternate substitutions of this amino acid residue (p.Arg1339Cys, p.Arg1339Leu, p.Arg1339Gln) have also been reported in individuals with pseudoxanthoma elasticum (Miksch et al. 2005. PubMed ID: 16086317; Struk et al. 2000. PubMed ID: 10954200). This variant is present in 0.0051% of alleles in individuals of East Asian descent in gnomAD. This variant is interpreted as pathogenic.

Labcorp Genetics (formerly Invitae), Labcorp
Classification: Pathogenic. Last evaluated: 2025-11-06. Review status: criteria provided, single submitter. Criteria: Invitae Variant Classification Sherloc (09022015). Collection method: clinical testing. Allele origin: germline.
Comment: This sequence change replaces arginine, which is basic and polar, with histidine, which is basic and polar, at codon 1339 of the ABCC6 protein (p.Arg1339His). The frequency data for this variant in the population databases is considered unreliable, as metrics indicate poor data quality at this position in the gnomAD database. This missense change has been observed in individuals with pseudoxanthoma elasticum (PMID: 16086317, 18157818). This variant is also known as p.R1339Q. ClinVar contains an entry for this variant (Variation ID: 265021). Invitae Evidence Modeling of protein sequence and biophysical properties (such as structural, functional, and spatial information, amino acid conservation, physicochemical variation, residue mobility, and thermodynamic stability) indicates that this missense variant is expected to disrupt ABCC6 protein function with a positive predictive value of 95%. This variant disrupts the p.Arg1339 amino acid residue in ABCC6. Other variant(s) that disrupt this residue have been determined to be pathogenic (PMID: 16086317, 19339160, 27994049). This suggests that this residue is clinically significant, and that variants that disrupt this residue are likely to be disease-causing. For these reasons, this variant has been classified as Pathogenic.

Variantyx, Inc.
Classification: Likely pathogenic for Autosomal recessive inherited pseudoxanthoma elasticum. Last evaluated: 2025-08-17. Review status: criteria provided, single submitter. Criteria: Variantyx Assertion Criteria 2022. Collection method: clinical testing. Allele origin: germline. Inheritance: Autosomal recessive inheritance. Affected: no.
Comment: This is a nonsynonymous variant in the ABCC6 gene (OMIM: 603234). Pathogenic variants in this gene have been associated with autosomal recessive pseudoxanthoma elasticum. This variant has been identified in the homozygous or compound heterozygous state in at least five individuals reported in the published literature (PMID: 16086317, 18157818) (PM3). Multiple computational algorithms predict a deleterious effect for this variant (REVEL score: 0.826) (PP3), and an alternate amino acid change at this position (c.40115C>T, p.Arg1339Cis) has been previously reported in similarly affected individuals, which suggests that this residue is biologically important (PM5). This variant has a 0.0045% maximum allele frequency in non-founder control populations (PM2). Based on the current evidence, this variant is classified as likely pathogenic for autosomal recessive pseudoxanthoma elasticum.

Fulgent Genetics
Classification: Pathogenic for Pseudoxanthoma elasticum, forme fruste; Autosomal recessive inherited pseudoxanthoma elasticum; Arterial calcification, generalized, of infancy, 2. Last evaluated: 2024-03-09. Review status: criteria provided, single submitter. Criteria: ACMG Guidelines, 2015. Collection method: clinical testing. Allele origin: germline.

Blueprint Genetics
Classification: Pathogenic for ABCC6-related disorders. Last evaluated: 2023-05-25. Review status: criteria provided, single submitter. Criteria: ACMG Guidelines, 2015. Collection method: clinical testing. Allele origin: germline. Affected: yes. Observed: 5 variant alleles.

PXE International
Classification: Pathogenic for Autosomal recessive inherited pseudoxanthoma elasticum. Last evaluated: 2021-03-01. Review status: criteria provided, single submitter. Criteria: Submitter's publication. Collection method: research. Allele origin: germline. Inheritance: Autosomal recessive inheritance. Affected: yes. Observed: 2 variant alleles.

GeneDx
Classification: Likely pathogenic. Last evaluated: 2016-03-04. Review status: criteria provided, single submitter. Criteria: GeneDx Variant Classification (06012015). Collection method: clinical testing. Allele origin: germline. Affected: yes.
Comment: The R1339H variant in the ABCC6 gene has been reported at least seven times previously in association with PXE (Miksch et al., 2005, Pfendner et al. 2007, Vanakker et al., 2008). The R1339H variant was not observed in approximately 6500 individuals of European and African American ancestry in the NHLBI Exome Sequencing Project, indicating it is not a common benign variant in these populations. The R1339H variant is a conservative amino acid substitution, which is not likely to impact secondary protein structure as these residues share similar properties. This substitution occurs at a position that is conserved across species In silico analysis predicts this variant is probably damaging to the protein structure/function as it occurs in the highly conserved second ATP binding domain required for proper gene function and in which numerous pathogenic variants are clustered. Missense variants at the same residue (R1339C, R1339L) and in nearby residues (L1335P, L1335Q, I1342T) have been reported in the Human Gene Mutation Database in association with PXE (Stenson et al., 2014), supporting the functional importance of this region of the protein. According to the ACMG Guidelines this variant is classified as likely pathogenic; however, the unlikely possibility that it is benign cannot be excluded.

Literature cited by the submitters: PubMed 16086317 (cited by Labcorp Genetics (formerly Invitae), Labcorp and Variantyx, Inc.); PubMed 18157818 (cited by Labcorp Genetics (formerly Invitae), Labcorp and Variantyx, Inc.); PubMed 19339160 (cited by Labcorp Genetics (formerly Invitae), Labcorp); PubMed 27994049 (cited by Labcorp Genetics (formerly Invitae), Labcorp); PubMed 32873932 (cited by PXE International).

NM_001171.6(ABCC6):c.4016G>A (p.Arg1339His)

Gene: ABCC6 (ATP binding cassette subfamily C member 6; minus strand). Cytogenetic location: 16p13.11.
Variant type: single nucleotide variant.
Coding change: c.4016G>A on transcript NM_001171.6 (MANE Select); coding-DNA position 4016, G replaced by A.
Protein change: p.Arg1339His; replaces arginine 1339 with histidine.
Molecular consequence: missense variant. On other transcripts: non-coding transcript variant (1).
Genome position (GRCh38, 1-based): chr16:16,154,898, C>T on the plus strand (G>A on the coding strand, the complement: ABCC6 is on the minus strand). VCF-style: chr16-16154898-C-T. GRCh37 (hg19) VCF-style: chr16-16248755-C-T.
Other names: c.3674G>A, p.Arg1225His (NM_001351800.1); short protein forms R1339H, R1225H.
Identifiers: ClinVar variation 265021 (VCV000265021.16), dbSNP rs63750622, ClinGen allele CA7925347.